The following is an entry in ClinVar:

NM_000179.3(MSH6):c.1757T>G (p.Val586Gly)

Gene: MSH6 (mutS homolog 6; plus strand). Cytogenetic location: 2p16.3.
Variant type: single nucleotide variant.
Coding change: c.1757T>G on transcript NM_000179.3 (MANE Select); coding-DNA position 1757, T replaced by G.
Protein change: p.Val586Gly; replaces valine 586 with glycine.
Molecular consequence: missense variant. On other transcripts: non-coding transcript variant (4), intron variant (2).
Genome position (GRCh38, 1-based): chr2:47,799,740, T>G. VCF-style: chr2-47799740-T-G. GRCh37 (hg19) VCF-style: chr2-48026879-T-G.
Other names: c.851T>G, p.Val284Gly (NM_001406823.1, NM_001406829.1, NM_001281493.2 and 6 more transcripts); c.1460T>G, p.Val487Gly (NM_001406824.1, NM_001406825.1, NM_001406827.1 and 10 more transcripts); c.1589T>G, p.Val530Gly (NM_001406826.1); c.1606+151T>G (NM_001406817.1); c.628-926T>G (NM_001407362.1); c.1367T>G, p.Val456Gly (NM_001281492.2); c.1853T>G, p.Val618Gly (NM_001406795.1, NM_001406802.1); c.1757T>G, p.Val586Gly (NM_001406796.1, NM_001406798.1, NM_001406800.1 and 3 more transcripts); and 3 more; short protein forms V456G, V487G, V530G, V588G, V618G, V411G, V560G, V284G.
Identifiers: ClinVar variation 2786911 (VCV002786911.3), dbSNP rs730881792, ClinGen allele CA346749013.

ClinVar aggregate classification (germline): Uncertain significance (1 of 4 stars; one submission).

Conditions:
Hereditary nonpolyposis colorectal neoplasms. Identifiers: MedGen C0009405, MeSH D003123.

Submission:

Labcorp Genetics (formerly Invitae), Labcorp
Classification: Uncertain significance for Hereditary nonpolyposis colorectal neoplasms. Last evaluated: 2023-02-06. Review status: criteria provided, single submitter. Criteria: Invitae Variant Classification Sherloc (09022015). Collection method: clinical testing. Allele origin: germline.
Comment: This variant is not present in population databases (gnomAD no frequency). This sequence change replaces valine, which is neutral and non-polar, with glycine, which is neutral and non-polar, at codon 586 of the MSH6 protein (p.Val586Gly). This variant has not been reported in the literature in individuals affected with MSH6-related conditions. Algorithms developed to predict the effect of missense changes on protein structure and function (SIFT, PolyPhen-2, Align-GVGD) all suggest that this variant is likely to be disruptive. In summary, the available evidence is currently insufficient to determine the role of this variant in disease. Therefore, it has been classified as a Variant of Uncertain Significance.